The following is an entry in ClinVar:

NM_001098426.2(SMARCD2):c.1265A>G (p.Asn422Ser)

Gene: SMARCD2 (SWI/SNF related BAF chromatin remodeling complex subunit D2; minus strand). Cytogenetic location: 17q23.3.
Variant type: single nucleotide variant.
Coding change: c.1265A>G on transcript NM_001098426.2 (MANE Select); coding-DNA position 1265, A replaced by G.
Protein change: p.Asn422Ser; replaces asparagine 422 with serine.
Molecular consequence: missense variant.
Genome position (GRCh38, 1-based): chr17:63,833,639, T>C on the plus strand (A>G on the coding strand, the complement: SMARCD2 is on the minus strand). VCF-style: chr17-63833639-T-C. GRCh37 (hg19) VCF-style: chr17-61910999-T-C.
Other names: c.1040A>G, p.Asn347Ser (NM_001330439.1); c.1121A>G, p.Asn374Ser (NM_001330440.2); short protein forms N347S, N374S, N422S.
Identifiers: ClinVar variation 1949753 (VCV001949753.5), dbSNP rs2040224325, ClinGen allele CA400598765.

ClinVar aggregate classification (germline): Uncertain significance (1 of 4 stars; one submission).

Allele frequency attached by ClinVar (database versions not stated): gnomAD exomes below 0.00001; TOPMed below 0.00001; gnomAD 0.00001.
gnomAD v4.1: 5 of 1,613,714 alleles (0.00031%); highest among the groups gnomAD compares: African/African-American, 0.0013%; no homozygotes.

Submission:

Labcorp Genetics (formerly Invitae), Labcorp
Classification: Uncertain significance. Last evaluated: 2023-02-13. Review status: criteria provided, single submitter. Criteria: Invitae Variant Classification Sherloc (09022015). Collection method: clinical testing. Allele origin: germline.
Comment: This variant has not been reported in the literature in individuals affected with SMARCD2-related conditions. This sequence change replaces asparagine, which is neutral and polar, with serine, which is neutral and polar, at codon 422 of the SMARCD2 protein (p.Asn422Ser). This variant is not present in population databases (gnomAD no frequency). Algorithms developed to predict the effect of missense changes on protein structure and function (SIFT, PolyPhen-2, Align-GVGD) all suggest that this variant is likely to be tolerated. In summary, the available evidence is currently insufficient to determine the role of this variant in disease. Therefore, it has been classified as a Variant of Uncertain Significance.